The following is an entry in ClinVar:

NM_018979.4(WNK1):c.6110G>A (p.Ser2037Asn)

Gene: WNK1 (WNK lysine deficient protein kinase 1; plus strand). Cytogenetic location: 12p13.33.
Variant type: single nucleotide variant.
Coding change: c.6110G>A on transcript NM_018979.4 (MANE Select); coding-DNA position 6110, G replaced by A.
Protein change: p.Ser2037Asn; replaces serine 2037 with asparagine.
Molecular consequence: missense variant.
Genome position (GRCh38, 1-based): chr12:896,597, G>A. VCF-style: chr12-896597-G-A. GRCh37 (hg19) VCF-style: chr12-1005763-G-A.
Other names: c.6890G>A, p.Ser2297Asn (NM_001184985.2); c.5366G>A, p.Ser1789Asn (NM_014823.3); c.6866G>A, p.Ser2289Asn (NM_213655.5); short protein forms S1789N, S2037N, S2289N, S2297N.
Identifiers: ClinVar variation 1463365 (VCV001463365.9), dbSNP rs1273114507, ClinGen allele CA383336548.
Genomic context (GRCh38, chr12:896,597, plus strand): 5'-CTTTTTTAAGTAGGGATGTGGATGATGGTTCCGGTAGTCCACACTCGCCCCATCAGCTGA[G>A]CTCAAAGAGCCTTCCTAGCCAGAATCTAAGTCAAAGCCTTAGTAATTCATTTAACTCCTC-3'
Protein context (NP_061852.3, residues 2027-2047): SGSPHSPHQL[Ser2037Asn]SKSLPSQNLS

ClinVar aggregate classification (germline): Uncertain significance. Review status: criteria provided, multiple submitters, no conflicts (2 of 4 stars). 2 submissions from 2 submitters: Uncertain significance (2). Last evaluated 2022-04-14.

Conditions:
Neuropathy, hereditary sensory and autonomic, type 2A (HSAN2A). Also called: ACROOSTEOLYSIS, GIACCAI TYPE; ACROOSTEOLYSIS, NEUROGENIC; MORVAN DISEASE; NEUROPATHY, CONGENITAL SENSORY; NEUROPATHY, HEREDITARY SENSORY RADICULAR, AUTOSOMAL RECESSIVE; NEUROPATHY, HEREDITARY SENSORY, TYPE IIA. Identifiers: Orphanet 970, MedGen C2752089, MONDO:0024309, OMIM 201300.
Pseudohypoaldosteronism type 2C (PHA2C). Also called: Pseudohypoaldosteronism Type IIC. Identifiers: Orphanet 757, Orphanet 88940, MedGen C1840391, MONDO:0013778, OMIM 614492.

Allele frequency attached by ClinVar (database versions not stated): gnomAD exomes below 0.00001; gnomAD 0.00001.
gnomAD v4.1: 1 of 1,609,462 alleles (0.000062%); no homozygotes.

Submissions (2):

Fulgent Genetics
Classification: Uncertain significance for Neuropathy, hereditary sensory and autonomic, type 2A; Pseudohypoaldosteronism type 2C. Last evaluated: 2022-04-14. Review status: criteria provided, single submitter. Criteria: ACMG Guidelines, 2015. Collection method: clinical testing. Allele origin: unknown.

Labcorp Genetics (formerly Invitae), Labcorp
Classification: Uncertain significance for Neuropathy, hereditary sensory and autonomic, type 2A; Pseudohypoaldosteronism type 2C. Last evaluated: 2021-04-08. Review status: criteria provided, single submitter. Criteria: Invitae Variant Classification Sherloc (09022015). Collection method: clinical testing. Allele origin: germline.
Comment: In summary, the available evidence is currently insufficient to determine the role of this variant in disease. Therefore, it has been classified as a Variant of Uncertain Significance. Advanced modeling of protein sequence and biophysical properties (such as structural, functional, and spatial information, amino acid conservation, physicochemical variation, residue mobility, and thermodynamic stability) performed at Invitae indicates that this missense variant is not expected to disrupt WNK1 protein function. This variant has not been reported in the literature in individuals with WNK1-related conditions. This variant is not present in population databases (ExAC no frequency). This sequence change replaces serine with asparagine at codon 2289 of the WNK1 protein (p.Ser2289Asn). The serine residue is weakly conserved and there is a small physicochemical difference between serine and asparagine.